The following is an entry in ClinVar:

ClinVar aggregate classification (germline): Uncertain significance. Review status: criteria provided, multiple submitters, no conflicts (2 of 4 stars). 2 submissions from 2 submitters: Uncertain significance (2). Last evaluated 2025-04-10.

Conditions:
Arrhythmogenic right ventricular dysplasia 13. Also called: ARRHYTHMOGENIC RIGHT VENTRICULAR CARDIOMYOPATHY 13; Arrhythmogenic right ventricular dysplasia, familial, 13. Identifiers: MedGen C3810138, MONDO:0000908, OMIM 615616.

Allele frequency attached by ClinVar (database versions not stated): gnomAD 0.00001; TOPMed 0.00002; gnomAD exomes 0.00003; ExAC 0.00004; ESP Exome Variant Server 0.00015.
gnomAD v4.1: 46 of 1,613,654 alleles (0.0029%); highest among the groups gnomAD compares: Non-Finnish European, 0.0037%; no homozygotes.

Submissions (2):

Labcorp Genetics (formerly Invitae), Labcorp
Classification: Uncertain significance for Arrhythmogenic right ventricular dysplasia 13. Last evaluated: 2025-04-10. Review status: criteria provided, single submitter. Criteria: Invitae Variant Classification Sherloc (09022015). Collection method: clinical testing. Allele origin: germline.
Comment: This sequence change replaces valine, which is neutral and non-polar, with alanine, which is neutral and non-polar, at codon 385 of the CTNNA3 protein (p.Val385Ala). This variant is present in population databases (rs149348606, gnomAD 0.006%). This variant has not been reported in the literature in individuals affected with CTNNA3-related conditions. ClinVar contains an entry for this variant (Variation ID: 1516329). Invitae Evidence Modeling of protein sequence and biophysical properties (such as structural, functional, and spatial information, amino acid conservation, physicochemical variation, residue mobility, and thermodynamic stability) indicates that this missense variant is not expected to disrupt CTNNA3 protein function with a negative predictive value of 80%. In summary, the available evidence is currently insufficient to determine the role of this variant in disease. Therefore, it has been classified as a Variant of Uncertain Significance.

Clinical Genetics Laboratory, Skane University Hospital Lund
Classification: Uncertain significance. Last evaluated: 2022-05-27. Review status: criteria provided, single submitter. Criteria: ACMG Guidelines, 2015. Collection method: clinical testing. Allele origin: germline. Affected: yes.

NM_013266.4(CTNNA3):c.1154T>C (p.Val385Ala)

Gene: CTNNA3 (catenin alpha 3; minus strand). Cytogenetic location: 10q21.3.
Variant type: single nucleotide variant.
Coding change: c.1154T>C on transcript NM_013266.4 (MANE Select); coding-DNA position 1154, T replaced by C.
Protein change: p.Val385Ala; replaces valine 385 with alanine.
Molecular consequence: missense variant.
Genome position (GRCh38, 1-based): chr10:66,766,391, A>G on the plus strand (T>C on the coding strand, the complement: CTNNA3 is on the minus strand). VCF-style: chr10-66766391-A-G. GRCh37 (hg19) VCF-style: chr10-68526149-A-G.
Other names: c.1154T>C, p.Val385Ala (NM_001127384.3); c.1154T>C (NM_013266.3); short protein forms V385A.
Identifiers: ClinVar variation 1516329 (VCV001516329.7), dbSNP rs149348606, ClinGen allele CA5520039.